The following is an entry in ClinVar:

ClinVar aggregate classification (germline): Uncertain significance (1 of 4 stars; one submission).

Conditions:
Combined immunodeficiency due to LRBA deficiency. Also called: Common variable immunodeficiency 8, with autoimmunity. Identifiers: Orphanet 445018, MedGen C3553512, MONDO:0013863, OMIM 614700.

gnomAD v4.1: 2 of 1,613,346 alleles (0.00012%); highest among the groups gnomAD compares: Non-Finnish European, 0.00017%; no homozygotes.

Submission:

Labcorp Genetics (formerly Invitae), Labcorp
Classification: Uncertain significance for Combined immunodeficiency due to LRBA deficiency. Last evaluated: 2022-06-24. Review status: criteria provided, single submitter. Criteria: Invitae Variant Classification Sherloc (09022015). Collection method: clinical testing. Allele origin: germline.
Comment: In summary, the available evidence is currently insufficient to determine the role of this variant in disease. Therefore, it has been classified as a Variant of Uncertain Significance. Algorithms developed to predict the effect of missense changes on protein structure and function are either unavailable or do not agree on the potential impact of this missense change (SIFT: "Tolerated"; PolyPhen-2: "Probably Damaging"; Align-GVGD: "Class C0"). This variant has not been reported in the literature in individuals affected with LRBA-related conditions. This variant is present in population databases (no rsID available, gnomAD 0.0009%). This sequence change replaces glutamine, which is neutral and polar, with histidine, which is basic and polar, at codon 1363 of the LRBA protein (p.Gln1363His).

NM_001364905.1(LRBA):c.4089A>C (p.Gln1363His)

Gene: LRBA (LPS responsive beige-like anchor protein; minus strand). Cytogenetic location: 4q31.3.
Variant type: single nucleotide variant.
Coding change: c.4089A>C on transcript NM_001364905.1 (MANE Select); coding-DNA position 4089, A replaced by C.
Protein change: p.Gln1363His; replaces glutamine 1363 with histidine.
Molecular consequence: missense variant.
Genome position (GRCh38, 1-based): chr4:150,849,491, T>G on the plus strand (A>C on the coding strand, the complement: LRBA is on the minus strand). VCF-style: chr4-150849491-T-G. GRCh37 (hg19) VCF-style: chr4-151770643-T-G.
Other names: c.4089A>C, p.Gln1363His (NM_001199282.3, NM_001367550.1, NM_006726.5); short protein forms Q1363H.
Identifiers: ClinVar variation 2100892 (VCV002100892.2), dbSNP rs1312898768, ClinGen allele CA358454021.
Genomic context (GRCh38, chr4:150,849,491, plus strand): 5'-TGTAGCAGCTGAAAGCAATGGCAGTATACCCCCACAAGCCATGACCATATTGTCCATCAC[T>G]TGAGAGATGAGATGAATTGTGTTGTGTACAAAGATGACATTATCACTGCTATTCACGAAG-3'
Protein context (NP_001351834.1, residues 1353-1373): FVHNTIHLIS[Gln1363His]VMDNMVMACG